The following is an entry in ClinVar:

NM_000388.4(CASR):c.2063T>G (p.Phe688Cys)

Gene: CASR (calcium sensing receptor; plus strand). Cytogenetic location: 3q21.1.
Variant type: single nucleotide variant.
Coding change: c.2063T>G on transcript NM_000388.4 (MANE Select); coding-DNA position 2063, T replaced by G.
Protein change: p.Phe688Cys; replaces phenylalanine 688 with cysteine.
Molecular consequence: missense variant.
Genome position (GRCh38, 1-based): chr3:122,284,017, T>G. VCF-style: chr3-122284017-T-G. GRCh37 (hg19) VCF-style: chr3-122002864-T-G.
Other names: c.2093T>G, p.Phe698Cys (NM_001178065.2); short protein forms F688C, F698C.
Identifiers: ClinVar variation 2107030 (VCV002107030.4), dbSNP rs758712301, ClinGen allele CA2569777.

ClinVar aggregate classification (germline): Uncertain significance (1 of 4 stars; one submission).

Conditions:
Autosomal dominant hypocalcemia 1 (HYPOC1). Also called: HYPOCALCEMIA, FAMILIAL. Identifiers: MedGen C3715128, MONDO:0011013, OMIM 601198.
Familial hypocalciuric hypercalcemia (FHH). Also called: Familial benign hypercalcemia. Identifiers: Orphanet 405, MedGen C1809471, MONDO:0018458.

Allele frequency attached by ClinVar (database versions not stated): gnomAD exomes below 0.00001; ExAC 0.00001.
gnomAD v4.1: 1 of 1,614,130 alleles (0.000062%); highest among the groups gnomAD compares: South Asian, 0.0011%; no homozygotes.

Submission:

Labcorp Genetics (formerly Invitae), Labcorp
Classification: Uncertain significance for Familial hypocalciuric hypercalcemia; Autosomal dominant hypocalcemia 1. Last evaluated: 2022-03-05. Review status: criteria provided, single submitter. Criteria: Invitae Variant Classification Sherloc (09022015). Collection method: clinical testing. Allele origin: germline.
Comment: This sequence change replaces phenylalanine, which is neutral and non-polar, with cysteine, which is neutral and slightly polar, at codon 688 of the CASR protein (p.Phe688Cys). This variant is present in population databases (rs758712301, gnomAD 0.003%). This variant has not been reported in the literature in individuals affected with CASR-related conditions. Algorithms developed to predict the effect of missense changes on protein structure and function (SIFT, PolyPhen-2, Align-GVGD) all suggest that this variant is likely to be disruptive. In summary, the available evidence is currently insufficient to determine the role of this variant in disease. Therefore, it has been classified as a Variant of Uncertain Significance.